The following is an entry in ClinVar:

NM_006939.4(SOS2):c.1132C>T (p.Leu378Phe)

Gene: SOS2 (SOS Ras/Rho guanine nucleotide exchange factor 2; minus strand). Cytogenetic location: 14q21.3.
Variant type: single nucleotide variant.
Coding change: c.1132C>T on transcript NM_006939.4 (MANE Select); coding-DNA position 1132, C replaced by T.
Protein change: p.Leu378Phe; replaces leucine 378 with phenylalanine.
Molecular consequence: missense variant.
Genome position (GRCh38, 1-based): chr14:50,161,546, G>A on the plus strand (C>T on the coding strand, the complement: SOS2 is on the minus strand). VCF-style: chr14-50161546-G-A. GRCh37 (hg19) VCF-style: chr14-50628264-G-A.
Other names: c.1033C>T, p.Leu345Phe (NM_001411020.1); short protein forms L345F, L378F.
Identifiers: ClinVar variation 3604737 (VCV003604737.2).

ClinVar aggregate classification (germline): Uncertain significance (1 of 4 stars; one submission).

Conditions:
Noonan syndrome 9 (NS9). Identifiers: Orphanet 648, MedGen C4225282, MONDO:0014691, OMIM 616559.

gnomAD v4.1: 3 of 1,611,610 alleles (0.00019%); highest among the groups gnomAD compares: Non-Finnish European, 0.00025%; no homozygotes.

Submission:

Labcorp Genetics (formerly Invitae), Labcorp
Classification: Uncertain significance for Noonan syndrome 9. Last evaluated: 2025-03-04. Review status: criteria provided, single submitter. Criteria: Invitae Variant Classification Sherloc (09022015). Collection method: clinical testing. Allele origin: germline.
Comment: This sequence change replaces leucine, which is neutral and non-polar, with phenylalanine, which is neutral and non-polar, at codon 378 of the SOS2 protein (p.Leu378Phe). This variant is not present in population databases (gnomAD no frequency). This variant has not been reported in the literature in individuals affected with SOS2-related conditions. Invitae Evidence Modeling of protein sequence and biophysical properties (such as structural, functional, and spatial information, amino acid conservation, physicochemical variation, residue mobility, and thermodynamic stability) has been performed for this missense variant. However, the output from this modeling did not meet the statistical confidence thresholds required to predict the impact of this variant on SOS2 protein function. In summary, the available evidence is currently insufficient to determine the role of this variant in disease. Therefore, it has been classified as a Variant of Uncertain Significance.